The following is an entry in ClinVar:

NM_000525.4(KCNJ11):c.49C>T (p.Leu17=)

Gene: KCNJ11 (potassium inwardly rectifying channel subfamily J member 11; minus strand). Cytogenetic location: 11p15.1.
Variant type: single nucleotide variant.
Coding change: c.49C>T on transcript NM_000525.4 (MANE Select); coding-DNA position 49, C replaced by T.
Protein change: p.Leu17=; no amino-acid change (leucine 17 retained).
Molecular consequence: synonymous variant. On other transcripts: 5 prime UTR variant (1), intron variant (2).
Genome position (GRCh38, 1-based): chr11:17,388,043, G>A on the plus strand (C>T on the coding strand, the complement: KCNJ11 is on the minus strand). VCF-style: chr11-17388043-G-A. GRCh37 (hg19) VCF-style: chr11-17409590-G-A.
Other names: c.-42C>T (NM_001377296.1); c.-16-197C>T (NM_001166290.2, NM_001377297.1).
Identifiers: ClinVar variation 989947 (VCV000989947.11), dbSNP rs1287370462, ClinGen allele CA473515723.
Genomic context (GRCh38, chr11:17,388,043, plus strand): 5'-ACACAAAGCGGGCCCTCCGCTGGCGGGCACGGTACCTGGGCTTGGCAGGGTCCTCTGCCA[G>A]GCGTGTCAGCACGTATTCCTCGGGGATGATGCCCTTGCGGGACAGCATGGCTCCGGTGAC-3'
Protein context (NP_000516.3, residues 7-27): IIPEEYVLTR[Leu17=]AEDPAKPRYR

ClinVar aggregate classification (germline): Conflicting classifications of pathogenicity. Review status: criteria provided, conflicting classifications (1 of 4 stars). 3 submissions from 3 submitters: Uncertain significance (1); Likely benign (1). 1 of the submissions does not count toward it. Last evaluated 2023-05-17.

Conditions:
Permanent neonatal diabetes mellitus (PNDM). Identifiers: Orphanet 99885, MedGen C1833104, MONDO:0100164, MONDO:0011643. Disease mechanism: gain of function.
Transitory neonatal diabetes mellitus. Also called: Transient neonatal diabetes mellitus. Identifiers: MedGen C0342273, MONDO:0020525, HP:0008255.

Allele frequency attached by ClinVar (database versions not stated): TOPMed 0.00001.

Submissions (3):

Labcorp Genetics (formerly Invitae), Labcorp
Classification: Likely benign. Last evaluated: 2023-05-17. Review status: criteria provided, single submitter. Criteria: Invitae Variant Classification Sherloc (09022015). Collection method: clinical testing. Allele origin: germline.

Clinical Genomics, Uppaluri K&H Personalized Medicine Clinic
Classification: Uncertain significance for Transitory neonatal diabetes mellitus. Review status: criteria provided, single submitter. Criteria: K&H Uppaluri Personalized Medicine Clinic Variant Classification & Assertion Criteria. Collection method: research. Allele origin: somatic. Inheritance: Autosomal dominant inheritance.
Comment: Mutations in KCNJ11 gene can cause decreased production and secretion of insulin. This can lead to MODY which may be responsive to oral sulfonylureas. It is also associated with Neonatal Diabetes. However, no sufficient evidence is found to ascertain the role of rs1287370462 variant in Diabetes Mellitus yet.

Natera, Inc.
Classification: Uncertain significance for Permanent neonatal diabetes mellitus. Last evaluated: 2020-09-15. Review status: no assertion criteria provided. Collection method: clinical testing. Allele origin: germline. Not counted in ClinVar's aggregate classification.

Literature cited by the submitters: PubMed 26448950 (cited by Clinical Genomics, Uppaluri K&H Personalized Medicine Clinic); PubMed 15718250 (cited by Clinical Genomics, Uppaluri K&H Personalized Medicine Clinic); PubMed 15580558 (cited by Clinical Genomics, Uppaluri K&H Personalized Medicine Clinic).